The following is an entry in ClinVar:

ClinVar aggregate classification (germline): Uncertain significance (1 of 4 stars; one submission).

Submission:

Women's Health and Genetics/Laboratory Corporation of America, LabCorp
Classification: Uncertain significance. Last evaluated: 2020-04-13. Review status: criteria provided, single submitter. Criteria: LabCorp Variant Classification Summary - May 2015. Collection method: clinical testing. Allele origin: germline.
Comment: Variant summary: BRAF c.1327_1388dup62 (p.Gly464AspfsX40) results in a premature termination codon, predicted to cause a truncation of the encoded protein or absence of the protein due to nonsense mediated decay. The variant was absent in 251426 control chromosomes. The available data on variant occurrences in the general population are insufficient to allow any conclusion about variant significance. To our knowledge, no occurrence of c.1327_1388dup62 in individuals affected with Noonan Syndrome And Related Conditions and no experimental evidence demonstrating its impact on protein function have been reported. No clinical diagnostic laboratories have submitted clinical-significance assessments for this variant to ClinVar after 2014. Based on the evidence outlined above, the variant was classified as uncertain significance.

NM_004333.6(BRAF):c.1327_1388dup (p.Gly464fs)

Gene: BRAF (B-Raf proto-oncogene, serine/threonine kinase; minus strand). Cytogenetic location: 7q34.
Variant type: Duplication.
Coding change: c.1327_1388dup on transcript NM_004333.6 (MANE Select); coding-DNA positions 1327 to 1388, 62 bases duplicated.
Protein change: p.Gly464fs; shifts the reading frame from glycine 464.
Molecular consequence: frameshift variant.
Genome position (GRCh38, 1-based): chr7:140,781,620-140,781,681, 62 bases duplicated. GRCh37 (hg19): chr7:140,481,421-140,481,482.
Other names: c.1327_1388dup, p.Gly464fs (NM_001354609.2, NM_001378468.1, NM_001378474.1); c.1447_1508dup, p.Gly504fs (NM_001374244.1, NM_001374258.1); c.1336_1397dup, p.Gly467fs (NM_001378467.1); c.1261_1322dup, p.Gly442fs (NM_001378469.1); c.1225_1286dup, p.Gly430fs (NM_001378470.1); c.1216_1277dup, p.Gly427fs (NM_001378471.1); c.1171_1232dup, p.Gly412fs (NM_001378472.1, NM_001378473.1); c.1063_1124dup, p.Gly376fs (NM_001378475.1); short protein forms G427fs, G412fs, G430fs, G442fs, G464fs, G467fs, G504fs, G376fs.
Identifiers: ClinVar variation 917757 (VCV000917757.1), dbSNP rs1800883856, ClinGen allele CA1139660286.